The following is an entry in ClinVar:

ClinVar aggregate classification (germline): Uncertain significance. Review status: criteria provided, multiple submitters, no conflicts (2 of 4 stars). 3 submissions from 3 submitters: Uncertain significance (3). Last evaluated 2024-05-30.

Conditions:
Inborn genetic diseases. Identifiers: MedGen C0950123, MeSH D030342.

Allele frequency attached by ClinVar (database versions not stated): ExAC below 0.00001; gnomAD exomes 0.00017; gnomAD 0.00019 and 0.00023; TOPMed 0.00031.

Submissions (3):

Ambry Genetics
Classification: Uncertain significance for Inborn genetic diseases. Last evaluated: 2024-05-30. Review status: criteria provided, single submitter. Criteria: Ambry Variant Classification Scheme 2023. Collection method: clinical testing. Allele origin: germline.

CeGaT Center for Human Genetics Tuebingen
Classification: Uncertain significance. Last evaluated: 2024-03-01. Review status: criteria provided, single submitter. Criteria: CeGaT Center For Human Genetics Tuebingen Variant Classification Criteria Version 2. Collection method: clinical testing. Allele origin: germline. Affected: yes. Observed: 2 variant alleles.

Labcorp Genetics (formerly Invitae), Labcorp
Classification: Uncertain significance. Last evaluated: 2022-11-01. Review status: criteria provided, single submitter. Criteria: Invitae Variant Classification Sherloc (09022015). Collection method: clinical testing. Allele origin: germline.
Comment: This sequence change replaces proline, which is neutral and non-polar, with leucine, which is neutral and non-polar, at codon 45 of the SMARCD2 protein (p.Pro45Leu). This variant is present in population databases (rs756475062, gnomAD 0.007%). This variant has not been reported in the literature in individuals affected with SMARCD2-related conditions. ClinVar contains an entry for this variant (Variation ID: 808306). Algorithms developed to predict the effect of missense changes on protein structure and function are either unavailable or do not agree on the potential impact of this missense change (SIFT: "Deleterious"; PolyPhen-2: "Possibly Damaging"; Align-GVGD: "Class C0"). In summary, the available evidence is currently insufficient to determine the role of this variant in disease. Therefore, it has been classified as a Variant of Uncertain Significance.

NM_001098426.2(SMARCD2):c.134C>T (p.Pro45Leu)

Genes: SMARCD2 (SWI/SNF related BAF chromatin remodeling complex subunit D2; minus strand), LOC130061409 (ATAC-STARR-seq lymphoblastoid silent region 8832; plus strand). Cytogenetic location: 17q23.3.
Variant type: single nucleotide variant.
Coding change: c.134C>T on transcript NM_001098426.2 (MANE Select); coding-DNA position 134, C replaced by T.
Protein change: p.Pro45Leu; replaces proline 45 with leucine.
Molecular consequence: missense variant.
Genome position (GRCh38, 1-based): chr17:63,842,541, G>A on the plus strand (C>T on the coding strand, the complement: SMARCD2 is on the minus strand). VCF-style: chr17-63842541-G-A. GRCh37 (hg19) VCF-style: chr17-61919901-G-A.
Other names: c.134C>T (NM_001098426.1); short protein forms P45L.
Identifiers: ClinVar variation 808306 (VCV000808306.47), dbSNP rs756475062, ClinGen allele CA8706564.